The following is an entry in ClinVar:

ClinVar aggregate classification (germline): Uncertain significance (1 of 4 stars; one submission).

Conditions:
Porokeratosis 7, multiple types. Also called: POROK7. Identifiers: MedGen C3553549, MONDO:0013868, OMIM 614714.

gnomAD v4.1: 31 of 1,610,106 alleles (0.0019%); highest among the groups gnomAD compares: South Asian, 0.018%; no homozygotes.

Submission:

Juno Genomics, Hangzhou Juno Genomics, Inc
Classification: Uncertain significance for Porokeratosis 7, multiple types. Review status: criteria provided, single submitter. Criteria: ACMG Guidelines, 2015. Collection method: clinical testing. Allele origin: germline.
Comment: Absent from controls (or at extremely low frequency if recessive) in Genome Aggregation Database.;Multiple lines of computational evidence support a deleterious effect on the gene or gene product.;The prevalence of the variant in affected individuals is significantly increased compared to the prevalence in controls.

NM_002461.3(MVD):c.383C>T (p.Ala128Val)

Gene: MVD (mevalonate diphosphate decarboxylase; minus strand). Cytogenetic location: 16q24.2.
Variant type: single nucleotide variant.
Coding change: c.383C>T on transcript NM_002461.3 (MANE Select); coding-DNA position 383, C replaced by T.
Protein change: p.Ala128Val; replaces alanine 128 with valine.
Molecular consequence: missense variant.
Genome position (GRCh38, 1-based): chr16:88,657,456, G>A on the plus strand (C>T on the coding strand, the complement: MVD is on the minus strand). VCF-style: chr16-88657456-G-A. GRCh37 (hg19) VCF-style: chr16-88723864-G-A.
Other names: short protein forms A128V.
Identifiers: ClinVar variation 5005652 (VCV005005652.2).